The following is an entry in ClinVar:

NM_007027.4(TOPBP1):c.2450C>T (p.Ser817Leu)

Gene: TOPBP1 (DNA topoisomerase II binding protein 1; minus strand). Cytogenetic location: 3q22.1.
Variant type: single nucleotide variant.
Coding change: c.2450C>T on transcript NM_007027.4 (MANE Select); coding-DNA position 2450, C replaced by T.
Protein change: p.Ser817Leu; replaces serine 817 with leucine.
Molecular consequence: missense variant.
Genome position (GRCh38, 1-based): chr3:133,637,946, G>A on the plus strand (C>T on the coding strand, the complement: TOPBP1 is on the minus strand). VCF-style: chr3-133637946-G-A. GRCh37 (hg19) VCF-style: chr3-133356790-G-A.
Other names: c.2435C>T, p.Ser812Leu (NM_001363889.2); short protein forms S812L, S817L.
Identifiers: ClinVar variation 670995 (VCV000670995.4), dbSNP rs17301766, ClinGen allele CA2624260.

ClinVar aggregate classification (germline): Benign. Review status: criteria provided, multiple submitters, no conflicts (2 of 4 stars). 3 submissions from 3 submitters: Benign (2). 1 of the submissions does not count toward it. Last evaluated 2018-06-19.

Conditions:
TOPBP1-related disorder. Also called: TOPBP1-related condition.

Allele frequency attached by ClinVar (database versions not stated): 1000 Genomes Project 0.08107; 1000 Genomes Project 30x 0.08120; TOPMed 0.13981; gnomAD exomes 0.14084 and 0.18211; ExAC 0.14109; gnomAD 0.14378 and 0.14763; ESP Exome Variant Server 0.15535.
gnomAD v4.1: 287,150 of 1,613,762 alleles (18%); highest among the groups gnomAD compares: Non-Finnish European, 21%; 28,141 homozygotes.

Submissions (3):

GeneDx
Classification: Benign. Last evaluated: 2018-06-19. Review status: criteria provided, single submitter. Criteria: GeneDx Variant Classification (06012015). Collection method: clinical testing. Allele origin: germline. Affected: yes.
Comment: This variant is considered likely benign or benign based on one or more of the following criteria: it is a conservative change, it occurs at a poorly conserved position in the protein, it is predicted to be benign by multiple in silico algorithms, and/or has population frequency not consistent with disease.

Breakthrough Genomics
Classification: Benign. Review status: criteria provided, single submitter. Criteria: ACMG Guidelines, 2015. Collection method: not provided. Allele origin: germline. Inheritance: Unknown mechanism. Affected: yes.

PreventionGenetics, part of Exact Sciences
Classification: Benign for TOPBP1-related condition. Last evaluated: 2019-10-28. Review status: no assertion criteria provided. Collection method: clinical testing. Allele origin: germline. Not counted in ClinVar's aggregate classification.
Comment: This variant is classified as benign based on ACMG/AMP sequence variant interpretation guidelines (Richards et al. 2015 PMID: 25741868, with internal and published modifications).